The following is an entry in ClinVar:

NM_001042492.3(NF1):c.*2829T>C

Gene: NF1 (neurofibromin 1; plus strand). Cytogenetic location: 17q11.2.
Variant type: single nucleotide variant.
Coding change: c.*2829T>C on transcript NM_001042492.3 (MANE Select); 2829 bases downstream of the stop codon, T replaced by C.
Molecular consequence: 3 prime UTR variant.
Genome position (GRCh38, 1-based): chr17:31,376,984, T>C. VCF-style: chr17-31376984-T-C. GRCh37 (hg19) VCF-style: chr17-29704002-T-C.
Other names: c.*2829T>C (NM_000267.4).
Identifiers: ClinVar variation 322603 (VCV000322603.6), dbSNP rs1048317, ClinGen allele CA10645304.
Genomic context (GRCh38, chr17:31,376,984, plus strand): 5'-TGACTGAGCCAGGTGCCCAGGACACATCCTAAACAGTCAGCTTCTATCCTGTGTCCTAGT[T>C]GGGGAGACAGAGTGCCAGCCAGCAACCCTCCCAGGTTTGTAGGTTTTAGGGGTTTTCAGT-3'

ClinVar aggregate classification (germline): Benign. Review status: criteria provided, multiple submitters, no conflicts (2 of 4 stars). 5 submissions from 2 submitters: Benign (5). Last evaluated 2018-01-13.

Conditions:
Neurofibromatosis, familial spinal (FSNF). Identifiers: Orphanet 636, MedGen C1834235, MONDO:0008078, OMIM 162210. Disease mechanism: loss of function.
Neurofibromatosis-Noonan syndrome (NFNS). Also called: NEUROFIBROMATOSIS WITH NOONAN PHENOTYPE. Identifiers: Orphanet 638, MedGen C2931482, MONDO:0011035, OMIM 601321. Disease mechanism: loss of function.
Neurofibromatosis, type 1 (NF1). Also called: VON RECKLINGHAUSEN DISEASE; NEUROFIBROMATOSIS, TYPE I, SOMATIC; Neurofibromatosis, type I; Peripheral type neurofibromatosis. Identifiers: Orphanet 636, MedGen C0027831, MONDO:0018975, OMIM 162200. Disease mechanism: loss of function.
Café-au-lait macules with pulmonary stenosis (WTSN). Also called: PULMONIC STENOSIS WITH CAFE-AU-LAIT SPOTS. Identifiers: MedGen C0553586, MONDO:0008672, OMIM 193520.

Allele frequency attached by ClinVar (database versions not stated): 1000 Genomes Project 0.61262; 1000 Genomes Project 30x 0.61665; gnomAD exomes 0.62139; TOPMed 0.64895; gnomAD 0.65185 and 0.65846.
gnomAD v4.1: 149,512 of 233,060 alleles (64%); highest among the groups gnomAD compares: African/African-American, 77%; 48,859 homozygotes.

Submissions (5):

Illumina Laboratory Services, Illumina
Classification: Benign for Neurofibromatosis-Noonan syndrome. Last evaluated: 2018-01-13. Review status: criteria provided, single submitter. Criteria: ICSL Variant Classification Criteria 13 December 2019. Collection method: clinical testing. Allele origin: germline.
Comment: This variant was observed in the ICSL laboratory as part of a predisposition screen in an ostensibly healthy population. It had not been previously curated by ICSL or reported in the Human Gene Mutation Database (HGMD: prior to June 1st, 2018), and was therefore a candidate for classification through an automated scoring system. Utilizing variant allele frequency, disease prevalence and penetrance estimates, and inheritance mode, an automated score was calculated to assess if this variant is too frequent to cause the disease. Based on the score and internal cut-off values, a variant classified as benign is not then subjected to further curation. The score for this variant resulted in a classification of benign for this disease.

Illumina Laboratory Services, Illumina
Classification: Benign for Neurofibromatosis, type 1. Last evaluated: 2018-01-13. Review status: criteria provided, single submitter. Criteria: ICSL Variant Classification Criteria 13 December 2019. Collection method: clinical testing. Allele origin: germline.
Comment: the same text as in the submission from Illumina Laboratory Services, Illumina above.

Illumina Laboratory Services, Illumina
Classification: Benign for Neurofibromatosis, familial spinal. Last evaluated: 2018-01-13. Review status: criteria provided, single submitter. Criteria: ICSL Variant Classification Criteria 13 December 2019. Collection method: clinical testing. Allele origin: germline.
Comment: the same text as in the submission from Illumina Laboratory Services, Illumina above.

Illumina Laboratory Services, Illumina
Classification: Benign for Café-au-lait macules with pulmonary stenosis. Last evaluated: 2018-01-13. Review status: criteria provided, single submitter. Criteria: ICSL Variant Classification Criteria 13 December 2019. Collection method: clinical testing. Allele origin: germline.
Comment: the same text as in the submission from Illumina Laboratory Services, Illumina above.

Breakthrough Genomics
Classification: Benign. Review status: criteria provided, single submitter. Criteria: ACMG Guidelines, 2015. Collection method: not provided. Allele origin: germline. Inheritance: Autosomal dominant inheritance. Affected: yes.